The following is an entry in ClinVar:

NM_001605.3(AARS1):c.236G>C (p.Gly79Ala)

Gene: AARS1 (alanyl-tRNA synthetase 1; minus strand). Cytogenetic location: 16q22.1.
Variant type: single nucleotide variant.
Coding change: c.236G>C on transcript NM_001605.3 (MANE Select); coding-DNA position 236, G replaced by C.
Protein change: p.Gly79Ala; replaces glycine 79 with alanine.
Molecular consequence: missense variant.
Genome position (GRCh38, 1-based): chr16:70,277,063, C>G on the plus strand (G>C on the coding strand, the complement: AARS1 is on the minus strand). VCF-style: chr16-70277063-C-G. GRCh37 (hg19) VCF-style: chr16-70310966-C-G.
Other names: short protein forms G79A.
Identifiers: ClinVar variation 1025350 (VCV001025350.8), dbSNP rs1960569020, ClinGen allele CA396569659.

ClinVar aggregate classification (germline): Uncertain significance (1 of 4 stars; one submission).

Conditions:
Charcot-Marie-Tooth disease type 2. Also called: Charcot-Marie-Tooth type 2. Identifiers: Orphanet 64746, MedGen C0270914, MONDO:0018993.

Submission:

Labcorp Genetics (formerly Invitae), Labcorp
Classification: Uncertain significance for Charcot-Marie-Tooth disease type 2. Last evaluated: 2025-06-17. Review status: criteria provided, single submitter. Criteria: Invitae Variant Classification Sherloc (09022015). Collection method: clinical testing. Allele origin: germline.
Comment: This sequence change replaces glycine, which is neutral and non-polar, with alanine, which is neutral and non-polar, at codon 79 of the AARS protein (p.Gly79Ala). This variant is not present in population databases (gnomAD no frequency). This variant has not been reported in the literature in individuals affected with AARS-related conditions. ClinVar contains an entry for this variant (Variation ID: 1025350). An algorithm developed to predict the effect of missense changes on protein structure and function (PolyPhen-2) suggests that this variant is likely to be disruptive. In summary, the available evidence is currently insufficient to determine the role of this variant in disease. Therefore, it has been classified as a Variant of Uncertain Significance.